The following is an entry in ClinVar:

ClinVar aggregate classification (germline): Uncertain significance. Review status: criteria provided, multiple submitters, no conflicts (2 of 4 stars). 2 submissions from 2 submitters: Uncertain significance (2). Last evaluated 2025-03-03.

Submissions (2):

GeneDx
Classification: Uncertain significance. Last evaluated: 2025-03-03. Review status: criteria provided, single submitter. Criteria: GeneDx Variant Classification Process June 2021. Collection method: clinical testing. Allele origin: germline. Affected: yes.
Comment: Not observed at significant frequency in large population cohorts (gnomAD); Has not been previously published as pathogenic or benign to our knowledge; In-silico analysis is inconclusive as to whether the variant impacts protein structure/function. In the absence of functional studies, the actual effect of this sequence change is unknown

Labcorp Genetics (formerly Invitae), Labcorp
Classification: Uncertain significance. Last evaluated: 2023-07-07. Review status: criteria provided, single submitter. Criteria: Invitae Variant Classification Sherloc (09022015). Collection method: clinical testing. Allele origin: germline.
Comment: In summary, the available evidence is currently insufficient to determine the role of this variant in disease. Therefore, it has been classified as a Variant of Uncertain Significance. Advanced modeling of protein sequence and biophysical properties (such as structural, functional, and spatial information, amino acid conservation, physicochemical variation, residue mobility, and thermodynamic stability) performed at Invitae indicates that this missense variant is not expected to disrupt MAGEL2 protein function. This variant has not been reported in the literature in individuals affected with MAGEL2-related conditions. This variant is not present in population databases (gnomAD no frequency). This sequence change replaces threonine, which is neutral and polar, with isoleucine, which is neutral and non-polar, at codon 782 of the MAGEL2 protein (p.Thr782Ile).

NM_019066.5(MAGEL2):c.2345C>T (p.Thr782Ile)

Gene: MAGEL2 (MAGE family member L2; minus strand). Cytogenetic location: 15q11.2.
Variant type: single nucleotide variant.
Coding change: c.2345C>T on transcript NM_019066.5 (MANE Select); coding-DNA position 2345, C replaced by T.
Protein change: p.Thr782Ile; replaces threonine 782 with isoleucine.
Molecular consequence: missense variant.
Genome position (GRCh38, 1-based): chr15:23,645,398, G>A on the plus strand (C>T on the coding strand, the complement: MAGEL2 is on the minus strand). VCF-style: chr15-23645398-G-A. GRCh37 (hg19) VCF-style: chr15-23890545-G-A.
Other names: c.2345C>T (NM_019066.4); short protein forms T782I.
Identifiers: ClinVar variation 2861358 (VCV002861358.4), dbSNP rs2503977418, ClinGen allele CA391332185.
Genomic context (GRCh38, chr15:23,645,398, plus strand): 5'-TTCAGAGAGGCAGGCTGAAACTGGGAGGTAGCTGGGAAGACACTTGAGGAGGGAGCAAAG[G>A]TCTCCGGTGTGGCAGGCAGGTTTTTCCAGGCAGCTGGCAGGTGTGCTCGCGCAGCTGACA-3'
Protein context (NP_061939.3, residues 772-792): AWKNLPATPE[Thr782Ile]FAPSSSVFPA